The following is an entry in ClinVar:

ClinVar aggregate classification (germline): Uncertain significance. Review status: criteria provided, multiple submitters, no conflicts (2 of 4 stars). 3 submissions from 3 submitters: Uncertain significance (3). Last evaluated 2024-07-01.

Conditions:
Hereditary cancer-predisposing syndrome. Also called: Tumor predisposition; Hereditary neoplastic syndrome; Hereditary Cancer Syndrome; Neoplastic Syndromes, Hereditary. Identifiers: Orphanet 140162, MedGen C0027672, MeSH D009386, MONDO:0015356.
Familial cancer of breast. Also called: BREAST CANCER, FAMILIAL; Hereditary breast cancer; hereditary breast carcinoma. Identifiers: Orphanet 227535, MedGen C0346153, MONDO:0016419, OMIM 114480. Disease mechanism: loss of function.

gnomAD v4.1: 1 of 1,614,210 alleles (0.000062%); highest among the groups gnomAD compares: South Asian, 0.0011%; no homozygotes.

Submissions (3):

Labcorp Genetics (formerly Invitae), Labcorp
Classification: Uncertain significance for Familial cancer of breast. Last evaluated: 2024-07-01. Review status: criteria provided, single submitter. Criteria: Invitae Variant Classification Sherloc (09022015). Collection method: clinical testing. Allele origin: germline.
Comment: This sequence change replaces aspartic acid, which is acidic and polar, with glycine, which is neutral and non-polar, at codon 729 of the BARD1 protein (p.Asp729Gly). This variant is present in population databases (no rsID available, gnomAD 0.003%). This variant has not been reported in the literature in individuals affected with BARD1-related conditions. ClinVar contains an entry for this variant (Variation ID: 938172). An algorithm developed to predict the effect of missense changes on protein structure and function (PolyPhen-2) suggests that this variant is likely to be disruptive. In summary, the available evidence is currently insufficient to determine the role of this variant in disease. Therefore, it has been classified as a Variant of Uncertain Significance.

Ambry Genetics
Classification: Uncertain significance for Hereditary cancer-predisposing syndrome. Last evaluated: 2024-01-15. Review status: criteria provided, single submitter. Criteria: Ambry Variant Classification Scheme 2023. Collection method: clinical testing. Allele origin: germline.
Comment: The p.D729G variant (also known as c.2186A>G), located in coding exon 11 of the BARD1 gene, results from an A to G substitution at nucleotide position 2186. The aspartic acid at codon 729 is replaced by glycine, an amino acid with similar properties. This amino acid position is conserved. In addition, this alteration is predicted to be deleterious by in silico analysis. Since supporting evidence is limited at this time, the clinical significance of this alteration remains unclear.

Baylor Genetics
Classification: Uncertain significance for Familial cancer of breast. Last evaluated: 2023-06-16. Review status: criteria provided, single submitter. Criteria: ACMG Guidelines, 2015. Collection method: clinical testing. Allele origin: unknown.

NM_000465.4(BARD1):c.2186A>G (p.Asp729Gly)

Gene: BARD1 (BRCA1 associated RING domain 1; minus strand). Cytogenetic location: 2q35.
Variant type: single nucleotide variant.
Coding change: c.2186A>G on transcript NM_000465.4 (MANE Select); coding-DNA position 2186, A replaced by G.
Protein change: p.Asp729Gly; replaces aspartic acid 729 with glycine.
Molecular consequence: missense variant. On other transcripts: non-coding transcript variant (3).
Genome position (GRCh38, 1-based): chr2:214,728,824, T>C on the plus strand (A>G on the coding strand, the complement: BARD1 is on the minus strand). VCF-style: chr2-214728824-T-C. GRCh37 (hg19) VCF-style: chr2-215593548-T-C.
Other names: c.2129A>G, p.Asp710Gly (NM_001282543.2); c.833A>G, p.Asp278Gly (NM_001282545.2); c.776A>G, p.Asp259Gly (NM_001282548.2); c.647A>G, p.Asp216Gly (NM_001282549.2); c.2186A>G (NM_000465.2); short protein forms D259G, D729G, D216G, D710G, D278G.
Identifiers: ClinVar variation 938172 (VCV000938172.12), dbSNP rs1337993937, ClinGen allele CA350450325.